The following is an entry in ClinVar:

ClinVar aggregate classification (germline): Pathogenic (1 of 4 stars; one submission).

Submission:

Labcorp Genetics (formerly Invitae), Labcorp
Classification: Pathogenic. Last evaluated: 2023-12-28. Review status: criteria provided, single submitter. Criteria: Invitae Variant Classification Sherloc (09022015). Collection method: clinical testing. Allele origin: unknown.
Comment: This variant is a gross deletion of the genomic region encompassing exon(s) 48-51 of the OTOGL gene. This deletion is out-of-frame, and is expected to create a premature termination codon and result in an absent or disrupted protein product. Loss-of-function variants in OTOGL are known to be pathogenic (PMID: 23122586). This variant has not been reported in the literature in individuals affected with OTOGL-related conditions. For these reasons, this variant has been classified as Pathogenic.

Literature cited by the submitters: PubMed 23122586.

NC_000012.11:g.(?_80750567)_(80752700_?)del

Gene: OTOGL (otogelin like; plus strand). Cytogenetic location: 12q21.31.
Variant type: Deletion.
Identifiers: ClinVar variation 3244448 (VCV003244448.1).